The following is an entry in ClinVar:

NM_139057.4(ADAMTS17):c.619AAG[2] (p.Lys209del)

Gene: ADAMTS17 (ADAM metallopeptidase with thrombospondin type 1 motif 17; minus strand). Cytogenetic location: 15q26.3.
Variant type: Microsatellite.
Coding change: c.619AAG[2] on transcript NM_139057.4 (MANE Select); two copies in a row of the 3-base unit AAG starting at c.619; the reference has three copies in a row; one copy, 3 bases deleted.
Protein change: p.Lys209del; deletes lysine 209.
Molecular consequence: inframe deletion.
Genome position (GRCh38, 1-based): chr15:100,281,391-100,281,393, CTT deleted on the plus strand (AAG on the coding strand, the reverse complement: ADAMTS17 is on the minus strand); deleting any 3 consecutive bases within chr15:100,281,391-100,281,399 gives the same sequence; the position shown is the placement nearest the transcript's 3' end. VCF-style (leftmost placement, unchanged base first): chr15-100281390-GCTT-G. GRCh37 (hg19) VCF-style: chr15-100821595-GCTT-G.
Other names: c.625_627delAAG (NM_139057.3); short protein forms K209del.
Identifiers: ClinVar variation 1645145 (VCV001645145.9), dbSNP rs552754390, ClinGen allele CA7758642.
Genomic context (GRCh38, chr15:100,281,390, plus strand): 5'-TGGTGAGCCGGATAGCGTTCCTCCGCTCCCGCCAGTCCCGCGAAGGCCTGCCCCACGTCG[GCTT>G]CTTCTTTTCTAGAAAATGATGGAAACATTTGTGCGGTCCTTGGCTTACTGACTTCCAAAA-3'

ClinVar aggregate classification (germline): Likely benign. Review status: criteria provided, multiple submitters, no conflicts (2 of 4 stars). 2 submissions from 2 submitters: Likely benign (2). Last evaluated 2026-01-26.

Conditions:
ADAMTS17-related disorder. Also called: ADAMTS17-related condition.

Submissions (2):

Labcorp Genetics (formerly Invitae), Labcorp
Classification: Likely benign. Last evaluated: 2026-01-26. Review status: criteria provided, single submitter. Criteria: Invitae Variant Classification Sherloc (09022015). Collection method: clinical testing. Allele origin: germline.

PreventionGenetics, part of Exact Sciences
Classification: Likely benign for ADAMTS17-related condition. Last evaluated: 2025-07-15. Review status: criteria provided, single submitter. Criteria: ACMG Guidelines, 2015. Collection method: clinical testing. Allele origin: germline.
Comment: This variant is classified as likely benign based on ACMG/AMP sequence variant interpretation guidelines (Richards et al. 2015 PMID: 25741868, with internal and published modifications).